The following is an entry in ClinVar:

ClinVar aggregate classification (germline): Uncertain significance (1 of 4 stars; one submission).

Conditions:
Glomerulopathy with fibronectin deposits 2 (GFND2). Identifiers: Orphanet 84090, MedGen C1866075, MONDO:0011165, OMIM 601894.

gnomAD v4.1: 15 of 1,613,338 alleles (0.00093%); highest among the groups gnomAD compares: Non-Finnish European, 0.0013%; no homozygotes.

Submission:

Victorian Clinical Genetics Services, Murdoch Childrens Research Institute
Classification: Uncertain significance for Glomerulopathy with fibronectin deposits 2. Last evaluated: 2024-10-08. Review status: criteria provided, single submitter. Criteria: ACMG Guidelines, 2015. Collection method: clinical testing. Allele origin: germline. Inheritance: Autosomal dominant inheritance. Affected: yes.
Comment: Based on the classification scheme VCGS_Germline_v1.3.4, this variant is classified as VUS-3C. Following criteria are met: 0105 - The mechanism of disease for this gene is not clearly established. However, loss of function has been suggested based on mutant proteins not being secreted and subsequent intracellular accumulation (PMID: 29100092). (I) 0107 - This gene is associated with autosomal dominant disease. Variants associated with glomerulopathy with fibronectin deposits 2 (MIM#601894) lie within the C-terminus, while variants associated with spondylometaphyseal dysplasia, corner fracture type (MIM#184255) lie within the N-terminus (domains I-1 to I-5) and often affect the cysteine residues involved in disulphide bonds (PMIDs: 29100092, 32200603). (I) 0115 - Variants in this gene are known to have variable expressivity. Intrafamilial variability has been observed (PMID: 32200603). (I) 0200 - Variant is predicted to result in a missense amino acid change from asparagine to lysine. (I) 0251 - This variant is heterozygous. (I) 0302 - Variant is present in gnomAD <0.001 for a dominant condition (v3: 1 heterozygote, 0 homozygotes). (SP) 0502 - Missense variant with conflicting in silico predictions and very high conservation. (I) 0600 - Variant is located in the annotated I-8 domain (DECIPHER). (I) 0705 - No comparable missense variants have previous evidence for pathogenicity. (I) 0807 - This variant has no previous evidence of pathogenicity. (I) 0905 - No published segregation evidence has been identified for this variant. (I) 1007 - No published functional evidence has been identified for this variant. (I) Legend: (SP) - Supporting pathogenic, (I) - Information, (SB) - Supporting benign

Literature cited by the submitters: PubMed 29100092; PubMed 32200603.

NM_212482.4(FN1):c.1584C>G (p.Asn528Lys)

Genes: FN1 (fibronectin 1; minus strand), LOC122861289 (Sharpr-MPRA regulatory region 10603; plus strand). Cytogenetic location: 2q35.
Variant type: single nucleotide variant.
Coding change: c.1584C>G on transcript NM_212482.4 (MANE Select); coding-DNA position 1584, C replaced by G.
Protein change: p.Asn528Lys; replaces asparagine 528 with lysine.
Molecular consequence: missense variant.
Genome position (GRCh38, 1-based): chr2:215,420,764, G>C on the plus strand (C>G on the coding strand, the complement: FN1 is on the minus strand). VCF-style: chr2-215420764-G-C. GRCh37 (hg19) VCF-style: chr2-216285487-G-C.
Other names: c.1584C>G, p.Asn528Lys (NM_001306129.2, NM_001306130.2, NM_001306131.2 and 14 more transcripts); short protein forms N528K.
Identifiers: ClinVar variation 3255149 (VCV003255149.2), dbSNP rs528350304.